The following is an entry in ClinVar:

NM_032043.3(BRIP1):c.3292G>A (p.Ala1098Thr)

Gene: BRIP1 (BRCA1 interacting DNA helicase 1; minus strand). Cytogenetic location: 17q23.2.
Variant type: single nucleotide variant.
Coding change: c.3292G>A on transcript NM_032043.3 (MANE Select); coding-DNA position 3292, G replaced by A.
Protein change: p.Ala1098Thr; replaces alanine 1098 with threonine.
Molecular consequence: missense variant.
Genome position (GRCh38, 1-based): chr17:61,683,754, C>T on the plus strand (G>A on the coding strand, the complement: BRIP1 is on the minus strand). VCF-style: chr17-61683754-C-T. GRCh37 (hg19) VCF-style: chr17-59761115-C-T.
Other names: short protein forms A1098T.
Identifiers: ClinVar variation 2774982 (VCV002774982.2), dbSNP rs1034545913, ClinGen allele CA400479043.

ClinVar aggregate classification (germline): Uncertain significance (1 of 4 stars; one submission).

Conditions:
Hereditary cancer-predisposing syndrome. Also called: Neoplastic Syndromes, Hereditary; Tumor predisposition; Hereditary Cancer Syndrome; Hereditary neoplastic syndrome. Identifiers: Orphanet 140162, MedGen C0027672, MeSH D009386, MONDO:0015356.

Submission:

Color Diagnostics, LLC DBA Color Health
Classification: Uncertain significance for Hereditary cancer-predisposing syndrome. Last evaluated: 2024-03-06. Review status: criteria provided, single submitter. Criteria: ACMG Guidelines, 2015. Collection method: clinical testing. Allele origin: germline.
Comment: This missense variant replaces alanine with threonine at codon 1098 of the BRIP1 protein. Computational prediction suggests that this variant may not impact protein structure and function (internally defined REVEL score threshold <= 0.5, PMID: 27666373). To our knowledge, functional studies have not been reported for this variant. This variant has not been reported in individuals affected with hereditary cancer in the literature. This variant has not been identified in the general population by the Genome Aggregation Database (gnomAD). The available evidence is insufficient to determine the role of this variant in disease conclusively. Therefore, this variant is classified as a Variant of Uncertain Significance.